The following is an entry in ClinVar:

NM_015141.4(GPD1L):c.139G>A (p.Val47Met)

Gene: GPD1L (glycerol-3-phosphate dehydrogenase 1 like; plus strand). Cytogenetic location: 3p22.3.
Variant type: single nucleotide variant.
Coding change: c.139G>A on transcript NM_015141.4 (MANE Select); coding-DNA position 139, G replaced by A.
Protein change: p.Val47Met; replaces valine 47 with methionine.
Molecular consequence: missense variant.
Genome position (GRCh38, 1-based): chr3:32,128,167, G>A. VCF-style: chr3-32128167-G-A. GRCh37 (hg19) VCF-style: chr3-32169659-G-A.
Other names: short protein forms V47M.
Identifiers: ClinVar variation 3521609 (VCV003521609.1).

ClinVar aggregate classification (germline): Uncertain significance (1 of 4 stars; one submission).

Conditions:
Cardiovascular phenotype. Identifiers: MedGen CN230736.

Submission:

Ambry Genetics
Classification: Uncertain significance for Cardiovascular phenotype. Last evaluated: 2024-11-17. Review status: criteria provided, single submitter. Criteria: Ambry Variant Classification Scheme 2023. Collection method: clinical testing. Allele origin: germline.
Comment: The p.V47M variant (also known as c.139G>A), located in coding exon 2 of the GPD1L gene, results from a G to A substitution at nucleotide position 139. The valine at codon 47 is replaced by methionine, an amino acid with highly similar properties. This amino acid position is conserved. In addition, this alteration is predicted to be tolerated by in silico analysis. Based on the available evidence, the clinical significance of this variant remains unclear.